The following is an entry in ClinVar:

ClinVar aggregate classification (germline): Uncertain significance. Review status: criteria provided, multiple submitters, no conflicts (2 of 4 stars). 7 submissions from 7 submitters: Uncertain significance (5). 2 of the submissions do not count toward it. Last evaluated 2024-09-04.

Conditions:
Neuromuscular disease caused by qualitative or quantitative defects of dysferlin. Also called: Qualitative or quantitative defects of dysferlin; Dysferlinopathy. Identifiers: Orphanet 207073, MedGen C2931687, MONDO:0016145.
Autosomal recessive limb-girdle muscular dystrophy type 2B (LGMDR2). Also called: MUSCULAR DYSTROPHY, LIMB-GIRDLE, TYPE 3; MUSCULAR DYSTROPHY, LIMB-GIRDLE, AUTOSOMAL RECESSIVE 2; Limb-Girdle Muscular Dystrophy Type 2B (LGMD2B); Limb-girdle muscular dystrophy, type 2B. Identifiers: Orphanet 268, MedGen C1850889, MONDO:0009676, OMIM 253601.

Allele frequency attached by ClinVar (database versions not stated): gnomAD exomes 0.00009 and 0.00010; gnomAD 0.00011 and 0.00012; TOPMed 0.00011; ExAC 0.00012; 1000 Genomes Project 30x 0.00016; 1000 Genomes Project 0.00020; ESP Exome Variant Server 0.00023.
gnomAD v4.1: 151 of 1,613,726 alleles (0.0094%); highest among the groups gnomAD compares: African/African-American, 0.023%; no homozygotes.

Submissions (7):

Blueprint Genetics
Classification: Uncertain significance. Last evaluated: 2024-09-04. Review status: criteria provided, single submitter. Criteria: ACMG Guidelines, 2015. Collection method: clinical testing. Allele origin: germline.

Labcorp Genetics (formerly Invitae), Labcorp
Classification: Uncertain significance for Neuromuscular disease caused by qualitative or quantitative defects of dysferlin. Last evaluated: 2022-08-31. Review status: criteria provided, single submitter. Criteria: Invitae Variant Classification Sherloc (09022015). Collection method: clinical testing. Allele origin: germline.
Comment: This sequence change replaces proline, which is neutral and non-polar, with leucine, which is neutral and non-polar, at codon 2068 of the DYSF protein (p.Pro2068Leu). This variant is present in population databases (rs149732545, gnomAD 0.02%). This missense change has been observed in individual(s) with clinical features of DYSF-related conditions (PMID: 15477515). ClinVar contains an entry for this variant (Variation ID: 287308). Algorithms developed to predict the effect of missense changes on protein structure and function are either unavailable or do not agree on the potential impact of this missense change (SIFT: "Deleterious"; PolyPhen-2: "Probably Damaging"; Align-GVGD: "Class C0"). In summary, the available evidence is currently insufficient to determine the role of this variant in disease. Therefore, it has been classified as a Variant of Uncertain Significance.

Revvity Omics, Revvity
Classification: Uncertain significance. Last evaluated: 2021-09-17. Review status: criteria provided, single submitter. Criteria: ACMG Guidelines, 2015. Collection method: clinical testing. Allele origin: germline.

Mayo Clinic Laboratories, Mayo Clinic
Classification: Uncertain significance. Last evaluated: 2019-06-03. Review status: criteria provided, single submitter. Criteria: ACMG Guidelines, 2015. Collection method: clinical testing. Allele origin: germline. Observed: 1 variant allele.

Eurofins Ntd Llc (ga)
Classification: Uncertain significance. Last evaluated: 2016-05-12. Review status: criteria provided, single submitter. Criteria: EGL Classification Definitions 2015. Collection method: clinical testing. Allele origin: germline. Observed: 1 variant allele, 1 heterozygote.

Natera, Inc.
Classification: Uncertain significance for Limb-girdle muscular dystrophy type 2B. Last evaluated: 2020-09-16. Review status: no assertion criteria provided. Collection method: clinical testing. Allele origin: germline. Not counted in ClinVar's aggregate classification.

Counsyl
Classification: Uncertain significance for Autosomal recessive limb-girdle muscular dystrophy type 2B. Last evaluated: 2018-02-26. Review status: no assertion criteria provided. Collection method: clinical testing. Allele origin: unknown. Not counted in ClinVar's aggregate classification.

Literature cited by the submitters: PubMed 15477515 (cited by 3 submitters); PubMed 25898921 (cited by Counsyl).

NM_001130987.2(DYSF):c.6320C>T (p.Pro2107Leu)

Gene: DYSF (dysferlin; plus strand). Cytogenetic location: 2p13.2.
Variant type: single nucleotide variant.
Coding change: c.6320C>T on transcript NM_001130987.2 (MANE Select); coding-DNA position 6320, C replaced by T.
Protein change: p.Pro2107Leu; replaces proline 2107 with leucine.
Molecular consequence: missense variant.
Genome position (GRCh38, 1-based): chr2:71,682,676, C>T. VCF-style: chr2-71682676-C-T. GRCh37 (hg19) VCF-style: chr2-71909806-C-T.
Other names: c.6206C>T, p.Pro2069Leu (NM_001130455.2); c.6161C>T, p.Pro2054Leu (NM_001130976.2); c.6224C>T, p.Pro2075Leu (NM_001130977.2); c.6266C>T, p.Pro2089Leu (NM_001130978.2); c.6296C>T, p.Pro2099Leu (NM_001130979.2); c.6254C>T, p.Pro2085Leu (NM_001130980.2); c.6317C>T, p.Pro2106Leu (NM_001130981.2); c.6299C>T, p.Pro2100Leu (NM_001130982.2); and 5 more; short protein forms P2068L, P2107L, P2076L, P2099L, P2069L, P2085L, P2086L, P2089L.
Identifiers: ClinVar variation 287308 (VCV000287308.17), dbSNP rs149732545, ClinGen allele CA1707669.